The following is an entry in ClinVar:

ClinVar aggregate classification (germline): Uncertain significance. Review status: criteria provided, multiple submitters, no conflicts (2 of 4 stars). 3 submissions from 3 submitters: Uncertain significance (3). Last evaluated 2023-11-27.

Conditions:
Inborn genetic diseases. Identifiers: MedGen C0950123, MeSH D030342.

Allele frequency attached by ClinVar (database versions not stated): ExAC 0.00001; gnomAD exomes 0.00005; gnomAD 0.00013; TOPMed 0.00013.
gnomAD v4.1: 95 of 1,610,876 alleles (0.0059%); highest among the groups gnomAD compares: Admixed American, 0.038%; no homozygotes.

Submissions (3):

Labcorp Genetics (formerly Invitae), Labcorp
Classification: Uncertain significance. Last evaluated: 2023-11-27. Review status: criteria provided, single submitter. Criteria: Invitae Variant Classification Sherloc (09022015). Collection method: clinical testing. Allele origin: germline.
Comment: This sequence change replaces arginine, which is basic and polar, with histidine, which is basic and polar, at codon 645 of the SPTBN2 protein (p.Arg645His). This variant is present in population databases (rs536915281, gnomAD 0.02%). This variant has not been reported in the literature in individuals affected with SPTBN2-related conditions. ClinVar contains an entry for this variant (Variation ID: 1699891). Advanced modeling of protein sequence and biophysical properties (such as structural, functional, and spatial information, amino acid conservation, physicochemical variation, residue mobility, and thermodynamic stability) performed at Invitae indicates that this missense variant is not expected to disrupt SPTBN2 protein function with a negative predictive value of 80%. In summary, the available evidence is currently insufficient to determine the role of this variant in disease. Therefore, it has been classified as a Variant of Uncertain Significance.

Ambry Genetics
Classification: Uncertain significance for Inborn genetic diseases. Last evaluated: 2023-06-16. Review status: criteria provided, single submitter. Criteria: Ambry Variant Classification Scheme 2023. Collection method: clinical testing. Allele origin: germline.

GeneDx
Classification: Uncertain significance. Last evaluated: 2022-01-28. Review status: criteria provided, single submitter. Criteria: GeneDx Variant Classification Process June 2021. Collection method: clinical testing. Allele origin: germline. Affected: yes.
Comment: In silico analysis supports that this missense variant does not alter protein structure/function; Has not been previously published as pathogenic or benign to our knowledge

NM_006946.4(SPTBN2):c.1934G>A (p.Arg645His)

Gene: SPTBN2 (spectrin beta, non-erythrocytic 2; minus strand). Cytogenetic location: 11q13.2.
Variant type: single nucleotide variant.
Coding change: c.1934G>A on transcript NM_006946.4 (MANE Select); coding-DNA position 1934, G replaced by A.
Protein change: p.Arg645His; replaces arginine 645 with histidine.
Molecular consequence: missense variant.
Genome position (GRCh38, 1-based): chr11:66,705,342, C>T on the plus strand (G>A on the coding strand, the complement: SPTBN2 is on the minus strand). VCF-style: chr11-66705342-C-T. GRCh37 (hg19) VCF-style: chr11-66472813-C-T.
Other names: short protein forms R645H.
Identifiers: ClinVar variation 1699891 (VCV001699891.7), dbSNP rs536915281, ClinGen allele CA6129209.